The following is an entry in ClinVar:

NM_001244008.2(KIF1A):c.865-6T>C

Gene: KIF1A (kinesin family member 1A; minus strand). Cytogenetic location: 2q37.3.
Variant type: single nucleotide variant.
Coding change: c.865-6T>C on transcript NM_001244008.2 (MANE Select); 6 bases into the intron before coding-DNA position 865, T replaced by C.
Molecular consequence: intron variant.
Genome position (GRCh38, 1-based): chr2:240,782,613, A>G on the plus strand (T>C on the coding strand, the complement: KIF1A is on the minus strand). VCF-style: chr2-240782613-A-G. GRCh37 (hg19) VCF-style: chr2-241722030-A-G.
Other names: c.865-6T>C (NM_001379653.1, NM_001379650.1, NM_001379645.1 and 20 more transcripts).
Identifiers: ClinVar variation 3378270 (VCV003378270.1).

ClinVar aggregate classification (germline): Uncertain significance (1 of 4 stars; one submission).

Submission:

GeneDx
Classification: Uncertain significance. Last evaluated: 2024-05-12. Review status: criteria provided, single submitter. Criteria: GeneDx Variant Classification Process June 2021. Collection method: clinical testing. Allele origin: germline. Affected: yes.
Comment: Not observed at significant frequency in large population cohorts (gnomAD); In silico analysis suggests this variant may impact gene splicing. In the absence of RNA/functional studies, the actual effect of this sequence change is unknown.; Has not been previously published as pathogenic or benign to our knowledge